The following is an entry in ClinVar:

NM_013450.4(BAZ2B):c.3569A>C (p.Gln1190Pro)

Gene: BAZ2B (bromodomain adjacent to zinc finger domain 2B; minus strand). Cytogenetic location: 2q24.2.
Variant type: single nucleotide variant.
Coding change: c.3569A>C on transcript NM_013450.4 (MANE Select); coding-DNA position 3569, A replaced by C.
Protein change: p.Gln1190Pro; replaces glutamine 1190 with proline.
Molecular consequence: missense variant.
Genome position (GRCh38, 1-based): chr2:159,385,272, T>G on the plus strand (A>C on the coding strand, the complement: BAZ2B is on the minus strand). VCF-style: chr2-159385272-T-G. GRCh37 (hg19) VCF-style: chr2-160241783-T-G.
Other names: c.3461A>C, p.Gln1154Pro (NM_001289975.1); c.3407A>C, p.Gln1136Pro (NM_001329857.2); c.3494A>C, p.Gln1165Pro (NM_001329858.2); short protein forms Q1136P, Q1154P, Q1165P, Q1190P.
Identifiers: ClinVar variation 4685363 (VCV004685363.1).

ClinVar aggregate classification (germline): Uncertain significance (1 of 4 stars; one submission).

Submission:

GeneDx
Classification: Uncertain significance. Last evaluated: 2025-07-09. Review status: criteria provided, single submitter. Criteria: GeneDx Variant Classification Process June 2021. Collection method: clinical testing. Allele origin: germline. Affected: yes.
Comment: Not observed at significant frequency in large population cohorts (gnomAD); In silico analysis supports that this missense variant has a deleterious effect on protein structure/function; Has not been previously published as pathogenic or benign to our knowledge